The following is an entry in ClinVar:

NM_001184.4(ATR):c.4811G>C (p.Cys1604Ser)

Gene: ATR (ATR checkpoint kinase; minus strand). Cytogenetic location: 3q23.
Variant type: single nucleotide variant.
Coding change: c.4811G>C on transcript NM_001184.4 (MANE Select); coding-DNA position 4811, G replaced by C.
Protein change: p.Cys1604Ser; replaces cysteine 1604 with serine.
Molecular consequence: missense variant.
Genome position (GRCh38, 1-based): chr3:142,512,301, C>G on the plus strand (G>C on the coding strand, the complement: ATR is on the minus strand). VCF-style: chr3-142512301-C-G. GRCh37 (hg19) VCF-style: chr3-142231143-C-G.
Other names: c.4619G>C, p.Cys1540Ser (NM_001354579.2); short protein forms C1540S, C1604S.
Identifiers: ClinVar variation 3221184 (VCV003221184.3), dbSNP rs756155865, ClinGen allele CA354795040.
Genomic context (GRCh38, chr3:142,512,301, plus strand): 5'-AACAGAAGTGATAACTCACCCATTGAGTCTACCTTATTTCTGTTTGATTTGCTGTGTGGA[C>G]ATTTCTCAGCTTTCAGTGCCTGAAATTTGTGCCTTGCCCACTGTGTGAGATGGTCAAGCA-3'
Protein context (NP_001175.2, residues 1594-1614): HKFQALKAEK[Cys1604Ser]PHSKSNRNKV

ClinVar aggregate classification (germline): Uncertain significance. Review status: criteria provided, multiple submitters, no conflicts (2 of 4 stars). 2 submissions from 2 submitters: Uncertain significance (2). Last evaluated 2024-07-21.

Conditions:
Inborn genetic diseases. Identifiers: MedGen C0950123, MeSH D030342.

gnomAD v4.1: 3 of 1,610,104 alleles (0.00019%); highest among the groups gnomAD compares: Non-Finnish European, 0.00025%; no homozygotes.

Submissions (2):

Labcorp Genetics (formerly Invitae), Labcorp
Classification: Uncertain significance. Last evaluated: 2024-07-21. Review status: criteria provided, single submitter. Criteria: Invitae Variant Classification Sherloc (09022015). Collection method: clinical testing. Allele origin: germline.
Comment: This sequence change replaces cysteine, which is neutral and slightly polar, with serine, which is neutral and polar, at codon 1604 of the ATR protein (p.Cys1604Ser). This variant is not present in population databases (gnomAD no frequency). This variant has not been reported in the literature in individuals affected with ATR-related conditions. An algorithm developed to predict the effect of missense changes on protein structure and function (PolyPhen-2) suggests that this variant is likely to be tolerated. In summary, the available evidence is currently insufficient to determine the role of this variant in disease. Therefore, it has been classified as a Variant of Uncertain Significance.

Ambry Genetics
Classification: Uncertain significance for Inborn genetic diseases. Last evaluated: 2024-01-13. Review status: criteria provided, single submitter. Criteria: Ambry Variant Classification Scheme 2023. Collection method: clinical testing. Allele origin: germline.
Comment: The p.C1604S variant (also known as c.4811G>C), located in coding exon 27 of the ATR gene, results from a G to C substitution at nucleotide position 4811. The cysteine at codon 1604 is replaced by serine, an amino acid with dissimilar properties. This amino acid position is conserved. In addition, this alteration is predicted to be tolerated by in silico analysis. Since supporting evidence is limited at this time, the clinical significance of this alteration remains unclear.